The following is an entry in ClinVar:

ClinVar aggregate classification (germline): Conflicting classifications of pathogenicity. Review status: criteria provided, conflicting classifications (1 of 4 stars). 4 submissions from 4 submitters: Uncertain significance (1); Likely benign (2). 1 of the submissions does not count toward it. Last evaluated 2025-12-03.

Conditions:
PITPNM3-related disorder. Also called: PITPNM3-related condition.

Allele frequency attached by ClinVar (database versions not stated): TOPMed 0.00012; gnomAD 0.00013 and 0.00018; gnomAD exomes 0.00025 and 0.00031; 1000 Genomes Project 30x 0.00031; ExAC 0.00040; ESP Exome Variant Server 0.00031; 1000 Genomes Project 0.00040.
gnomAD v4.1: 401 of 1,602,300 alleles (0.025%); highest among the groups gnomAD compares: South Asian, 0.12%; 2 homozygotes.

Submissions (4):

Labcorp Genetics (formerly Invitae), Labcorp
Classification: Likely benign. Last evaluated: 2025-12-03. Review status: criteria provided, single submitter. Criteria: Invitae Variant Classification Sherloc (09022015). Collection method: clinical testing. Allele origin: germline.

Blueprint Genetics
Classification: Likely benign. Last evaluated: 2024-11-22. Review status: criteria provided, single submitter. Criteria: ACMG Guidelines, 2015. Collection method: clinical testing. Allele origin: germline.

Eurofins Ntd Llc (ga)
Classification: Uncertain significance. Last evaluated: 2014-09-29. Review status: criteria provided, single submitter. Criteria: EGL Classification Definitions 2015. Collection method: clinical testing. Allele origin: germline. Observed: 1 variant allele, 1 heterozygote.

PreventionGenetics, part of Exact Sciences
Classification: Likely benign for PITPNM3-related condition. Last evaluated: 2020-07-30. Review status: no assertion criteria provided. Collection method: clinical testing. Allele origin: germline. Not counted in ClinVar's aggregate classification.
Comment: This variant is classified as likely benign based on ACMG/AMP sequence variant interpretation guidelines (Richards et al. 2015 PMID: 25741868, with internal and published modifications).

NM_031220.4(PITPNM3):c.2700C>T (p.Arg900=)

Gene: PITPNM3 (PITPNM family member 3; minus strand). Cytogenetic location: 17p13.2.
Variant type: single nucleotide variant.
Coding change: c.2700C>T on transcript NM_031220.4 (MANE Select); coding-DNA position 2700, C replaced by T.
Protein change: p.Arg900=; no amino-acid change (arginine 900 retained).
Molecular consequence: synonymous variant.
Genome position (GRCh38, 1-based): chr17:6,455,563, G>A on the plus strand (C>T on the coding strand, the complement: PITPNM3 is on the minus strand). VCF-style: chr17-6455563-G-A. GRCh37 (hg19) VCF-style: chr17-6358883-G-A.
Other names: c.2592C>T, p.Arg864= (NM_001165966.2).
Identifiers: ClinVar variation 195534 (VCV000195534.19), dbSNP rs139901820, ClinGen allele CA241987.